The following is an entry in ClinVar:

ClinVar aggregate classification (germline): Pathogenic. Review status: reviewed by expert panel (3 of 4 stars). 18 submissions from 18 submitters: Pathogenic (1). 17 of the submissions do not count toward it. Last evaluated 2017-03-17.

Conditions:
CFTR-related disorder (CFTR-RD). Also called: CFTR-related disorders; CFTR-related condition. Identifiers: MedGen C5924204, MONDO:7770004.
Bronchiectasis with or without elevated sweat chloride 1 (BESC1). Also called: Cystic Fibrosis-Like Syndrome. Identifiers: Orphanet 60033, MedGen C2749757, MONDO:0008887, OMIM 211400.
Cystic fibrosis (CF). Also called: MUCOVISCIDOSIS. Identifiers: Orphanet 586, MedGen C0010674, MONDO:0009061, OMIM 219700. Disease mechanism: loss of function.
Abnormality of metabolism/homeostasis. Identifiers: MedGen C4021768, HP:0001939.

Submissions (18):

CFTR2
Classification: Pathogenic for Cystic fibrosis. Last evaluated: 2017-03-17. Review status: reviewed by expert panel. Criteria: Sosnay PR et al. (Nat Genet 2013). Collection method: research. Allele origin: germline. Affected: yes. Study: CFTR2.

Natera, Inc.
Classification: Pathogenic for CFTR-related disorders. Last evaluated: 2026-01-08. Review status: criteria provided, single submitter. Criteria: Natera Variant Classification Schema (03/2026). Collection method: clinical testing. Allele origin: germline. Not counted in ClinVar's aggregate classification.
Comment: The c.1545_1546delTA variant in CFTR is a frameshift variant predicted to shift the reading frame and introduce a stop codon. This variant is expected to result in nonsense mediated decay, truncation, or a dysfunctional protein product. This variant is rare in the general population with a frequency below the threshold expected for the associated phenotype(s). This variant has been observed in one or more individuals affected with the associated recessive disease, as either homozygous or compound heterozygous with a second variant (PMID: 28546993). Given the available evidence, this variant is classified as Pathogenic.

Institute of Human Genetics, University of Leipzig Medical Center
Classification: Pathogenic for Cystic fibrosis. Last evaluated: 2025-09-01. Review status: criteria provided, single submitter. Criteria: ACMG Guidelines, 2015. Collection method: clinical testing. Allele origin: unknown. Inheritance: Autosomal recessive inheritance. Affected: yes. Not counted in ClinVar's aggregate classification.
Comment: Criteria applied: PVS1,PM3_STR,PM2_SUP,PP4

Labcorp Genetics (formerly Invitae), Labcorp
Classification: Pathogenic for Cystic fibrosis. Last evaluated: 2025-06-04. Review status: criteria provided, single submitter. Criteria: Invitae Variant Classification Sherloc (09022015). Collection method: clinical testing. Allele origin: germline. Not counted in ClinVar's aggregate classification.
Comment: This sequence change creates a premature translational stop signal (p.Tyr515*) in the CFTR gene. It is expected to result in an absent or disrupted protein product. Loss-of-function variants in CFTR are known to be pathogenic (PMID: 1695717, 7691345, 9725922). This variant is not present in population databases (gnomAD no frequency). This premature translational stop signal has been observed in individual(s) with cystic fibrosis (PMID: 1710601, 18456578, 20949073, 21520337, 26436105). This variant is also known as 1677delTA. ClinVar contains an entry for this variant (Variation ID: 7140). For these reasons, this variant has been classified as Pathogenic.

CeGaT Center for Human Genetics Tuebingen
Classification: Pathogenic. Last evaluated: 2024-12-01. Review status: criteria provided, single submitter. Criteria: CeGaT Center For Human Genetics Tuebingen Variant Classification Criteria Version 2. Collection method: clinical testing. Allele origin: germline. Affected: yes. Observed: 1 variant allele. Not counted in ClinVar's aggregate classification.
Comment: CFTR: PM3:Very Strong, PVS1, PM2

Blueprint Genetics
Classification: Pathogenic for CFTR-related disorders. Last evaluated: 2024-11-01. Review status: criteria provided, single submitter. Criteria: ACMG Guidelines, 2015. Collection method: clinical testing. Allele origin: germline. Affected: yes. Observed: 5 variant alleles. Not counted in ClinVar's aggregate classification.

Baylor Genetics
Classification: Pathogenic for Bronchiectasis with or without elevated sweat chloride 1. Last evaluated: 2024-03-16. Review status: criteria provided, single submitter. Criteria: ACMG Guidelines, 2015. Collection method: clinical testing. Allele origin: unknown. Not counted in ClinVar's aggregate classification.

Revvity Omics, Revvity
Classification: Pathogenic. Last evaluated: 2022-08-25. Review status: criteria provided, single submitter. Criteria: ACMG Guidelines, 2015. Collection method: clinical testing. Allele origin: germline. Not counted in ClinVar's aggregate classification.

Johns Hopkins Genomics, Johns Hopkins University
Classification: Pathogenic for Cystic fibrosis. Last evaluated: 2022-07-23. Review status: criteria provided, single submitter. Criteria: ACMG Guidelines, 2015. Collection method: clinical testing. Allele origin: germline. Not counted in ClinVar's aggregate classification.
Comment: Disease-causing CFTR variant. See CFTR2 for phenotype information.

Ambry Genetics
Classification: Pathogenic for Cystic fibrosis. Last evaluated: 2022-07-18. Review status: criteria provided, single submitter. Criteria: Ambry Variant Classification Scheme 2023. Collection method: clinical testing. Allele origin: germline. Not counted in ClinVar's aggregate classification.
Comment: The c.1545_1546delTA pathogenic mutation (also known as c.1677delTA), located in coding exon 11 of the CFTR gene, results from a deletion of two nucleotides at nucleotide positions 1545 to 1546, causing a translational frameshift with a predicted alternate stop codon (p.Y515*). This mutation has been reported in multiple patients with cystic fibrosis, including many homozygotes; it has been observed to be a common mutant allele in populations near the Southern Black Sea, Georgia in particular (Angelicheva D et al. Hum. Mutat., 1994;3:353-7; Onay T et al. Hum. Genet., 1998 Feb;102:224-30; Bonyadi M et al. Genet Test Mol Biomarkers 2011 Jan;15:89-92). This pathogenic mutation is associated with elevated sweat chloride levels, pancreatic insufficiency, and Pseudomonas infection (Sosnay PR et al. Nat. Genet., 2013 Oct;45:1160-7). In addition to the clinical data presented in the literature, this alteration is expected to result in loss of function by premature protein truncation or nonsense-mediated mRNA decay. As such, this alteration is interpreted as a disease-causing mutation.

Clinical Genetics Laboratory, Skane University Hospital Lund
Classification: Pathogenic. Last evaluated: 2022-06-15. Review status: criteria provided, single submitter. Criteria: ACMG Guidelines, 2015. Collection method: clinical testing. Allele origin: germline. Affected: yes. Not counted in ClinVar's aggregate classification.

Kariminejad - Najmabadi Pathology & Genetics Center
Classification: Pathogenic for Abnormality of metabolism/homeostasis. Last evaluated: 2021-07-10. Review status: criteria provided, single submitter. Criteria: ACMG Guidelines, 2015. Collection method: clinical testing. Allele origin: germline. Affected: yes. Not counted in ClinVar's aggregate classification.

Myriad Genetics, Inc.
Classification: Pathogenic for Cystic fibrosis. Last evaluated: 2019-12-07. Review status: criteria provided, single submitter. Criteria: Myriad Women's Health Autosomal Recessive and X-Linked Classification Criteria (2019). Collection method: clinical testing. Allele origin: unknown. Not counted in ClinVar's aggregate classification.
Comment: NM_000492.3(CFTR):c.1545_1546delTA(Y515*, aka 1677delTA) is classified as pathogenic in the context of cystic fibrosis and is associated with the classic form of disease. Sources cited for classification include the following: PMID 23974870. Classification of NM_000492.3(CFTR):c.1545_1546delTA(Y515*, aka 1677delTA) is based on the following criteria: The variant causes a premature termination codon that is expected to be targeted by nonsense-mediated mRNA decay and is reported in individuals with the relevant phenotype. Please note: this variant was assessed in the context of healthy population screening.

CFTR-France
Classification: Pathogenic for cystic fibrosis. Last evaluated: 2018-01-29. Review status: criteria provided, single submitter. Criteria: Claustres M et al. (Hum Mutat 2017). Collection method: curation. Allele origin: germline. Affected: yes. Not counted in ClinVar's aggregate classification.

Women's Health and Genetics/Laboratory Corporation of America, LabCorp
Classification: Pathogenic for Cystic fibrosis. Last evaluated: 2017-08-22. Review status: criteria provided, single submitter. Criteria: LabCorp Variant Classification Summary - May 2015. Collection method: clinical testing. Allele origin: germline. Not counted in ClinVar's aggregate classification.
Comment: Variant summary: The CFTR c.1545_1546delTA (p.Tyr515Terfs) variant (alternatively also known as 1677delTA) results in a premature termination codon, predicted to cause a truncated or absent CFTR protein due to nonsense mediated decay, which are commonly known mechanisms for disease. Truncations downstream of this position have been classified as pathogenic by our laboratory (e.g. p.Leu671X, p.Lys710X, p.Glu1104X, etc.).This variant is absent in 121248 control chromosomes from ExAC. This variant is reported in numerous CF patients and is a common pathogenic variant in Black Sea region (Angelicheva_1994, Kanavakis_1995, Angelicheva_1997, Frentescu_2008, Castallani_2008, and Sosnay_2013). It has also been found in a CBAVD patient who had E831X on the other allele (Hinzpeter_2010). Multiple clinical diagnostic laboratories/reputable databases have classified this variant as pathogenic. Taken together, this variant is classified as pathogenic.

OMIM
Classification: Pathogenic for CYSTIC FIBROSIS. Last evaluated: 1991-05-01. Review status: no assertion criteria provided. Collection method: literature only. Allele origin: germline. Not counted in ClinVar's aggregate classification.

Clinical Genetics DNA and cytogenetics Diagnostics Lab, Erasmus MC, Erasmus Medical Center
Classification: Pathogenic. Review status: no assertion criteria provided. Collection method: clinical testing. Allele origin: germline. Affected: yes. Study: VKGL Data-share Consensus. Not counted in ClinVar's aggregate classification.

Diagnostic Laboratory, Department of Genetics, University Medical Center Groningen
Classification: Pathogenic. Review status: no assertion criteria provided. Collection method: clinical testing. Allele origin: germline. Affected: yes. Study: VKGL Data-share Consensus. Not counted in ClinVar's aggregate classification.

Literature cited by the submitters: PubMed 28546993 (cited by Natera, Inc.); PubMed 1695717 (cited by Labcorp Genetics (formerly Invitae), Labcorp); PubMed 7691345 (cited by Labcorp Genetics (formerly Invitae), Labcorp); PubMed 9725922 (cited by Labcorp Genetics (formerly Invitae), Labcorp); PubMed 1710601 (cited by Labcorp Genetics (formerly Invitae), Labcorp and OMIM); PubMed 18456578 (cited by Labcorp Genetics (formerly Invitae), Labcorp and Women's Health and Genetics/Laboratory Corporation of America, LabCorp); PubMed 20949073 (cited by Labcorp Genetics (formerly Invitae), Labcorp and Women's Health and Genetics/Laboratory Corporation of America, LabCorp); PubMed 21520337 (cited by Labcorp Genetics (formerly Invitae), Labcorp); PubMed 26436105 (cited by Labcorp Genetics (formerly Invitae), Labcorp); PubMed 21198395 (cited by Ambry Genetics); PubMed 23974870 (cited by 3 submitters); PubMed 8081388 (cited by Ambry Genetics); PubMed 9521595 (cited by Ambry Genetics); PubMed 7544320 (cited by Women's Health and Genetics/Laboratory Corporation of America, LabCorp); PubMed 18467194 (cited by Women's Health and Genetics/Laboratory Corporation of America, LabCorp).

NM_000492.4(CFTR):c.1545_1546del (p.Tyr515_Arg516delinsTer)

Genes: CFTR (CF transmembrane conductance regulator; plus strand), CFTR-AS1 (CFTR antisense RNA 1; minus strand). Cytogenetic location: 7q31.2.
Variant type: Microsatellite.
Coding change: c.1545_1546del on transcript NM_000492.4 (MANE Select); coding-DNA positions 1545 to 1546, 2 bases deleted (TA; older notation c.1545_1546delTA).
Protein change: p.Tyr515_Arg516delinsTer.
Molecular consequence: nonsense.
Genome position (GRCh38, 1-based): chr7:117,559,616-117,559,617, TA deleted; deleting any 2 consecutive bases within chr7:117,559,613-117,559,617 gives the same sequence; the c. name uses the placement nearest the transcript's 3' end. VCF-style (leftmost placement, unchanged base first): chr7-117559612-AAT-A. GRCh37 (hg19) VCF-style: chr7-117199666-AAT-A.
Other names: 1677delTA; c.1545_1546delTA (NM_000492.4, NM_000492.3).
Identifiers: ClinVar variation 7140 (VCV000007140.62), dbSNP rs121908776, ClinGen allele CA325535.